The following is an entry in ClinVar:

ClinVar aggregate classification (germline): Uncertain significance (1 of 4 stars; one submission).

Submission:

GeneDx
Classification: Uncertain significance. Last evaluated: 2022-07-26. Review status: criteria provided, single submitter. Criteria: GeneDx Variant Classification Process June 2021. Collection method: clinical testing. Allele origin: germline. Affected: yes.
Comment: Not observed at significant frequency in large population cohorts (gnomAD); In silico analysis supports that this missense variant has a deleterious effect on protein structure/function; Has not been previously published as pathogenic or benign to our knowledge

NM_004606.5(TAF1):c.4040C>T (p.Pro1347Leu)

Gene: TAF1 (TATA-box binding protein associated factor 1; plus strand). Cytogenetic location: Xq13.1.
Variant type: single nucleotide variant.
Coding change: c.4040C>T on transcript NM_004606.5 (MANE Select); coding-DNA position 4040, C replaced by T.
Protein change: p.Pro1347Leu; replaces proline 1347 with leucine.
Molecular consequence: missense variant. On other transcripts: non-coding transcript variant (9).
Genome position (GRCh38, 1-based): chrX:71,406,679, C>T. VCF-style: chrX-71406679-C-T. GRCh37 (hg19) VCF-style: chrX-70626529-C-T.
Other names: c.4040C>T, p.Pro1347Leu (NM_001286074.2); c.3977C>T, p.Pro1326Leu (NM_138923.4); short protein forms P1326L, P1347L.
Identifiers: ClinVar variation 2412986 (VCV002412986.3), dbSNP rs2521063814, ClinGen allele CA413535531.
Genomic context (GRCh38, chrX:71,406,679, plus strand): 5'-TAAAGTGTTTTGATTTTAGTGCGGATGAGGTTCGCAGAAAATCTCTGGTTCTCAAGTTTC[C>T]TAAACAGCAGCTTCCTCCAAAGAAGAAACGGCGAGTTGGAACCACTGTTCACTGTGACTA-3'
Protein context (NP_004597.3, residues 1337-1357): VRRKSLVLKF[Pro1347Leu]KQQLPPKKKR